The following is an entry in ClinVar:

ClinVar aggregate classification (germline): Uncertain significance (1 of 4 stars; one submission).

gnomAD v4.1: 3 of 1,554,618 alleles (0.00019%); highest among the groups gnomAD compares: Non-Finnish European, 0.00017%; no homozygotes.

Submission:

Labcorp Genetics (formerly Invitae), Labcorp
Classification: Uncertain significance. Last evaluated: 2023-01-01. Review status: criteria provided, single submitter. Criteria: Invitae Variant Classification Sherloc (09022015). Collection method: clinical testing. Allele origin: germline.
Comment: This variant has not been reported in the literature in individuals affected with RAI1-related conditions. The frequency data for this variant in the population databases is considered unreliable, as metrics indicate poor data quality at this position in the gnomAD database. This sequence change replaces proline, which is neutral and non-polar, with histidine, which is basic and polar, at codon 1080 of the RAI1 protein (p.Pro1080His). Advanced modeling of protein sequence and biophysical properties (such as structural, functional, and spatial information, amino acid conservation, physicochemical variation, residue mobility, and thermodynamic stability) performed at Invitae indicates that this missense variant is not expected to disrupt RAI1 protein function. In summary, the available evidence is currently insufficient to determine the role of this variant in disease. Therefore, it has been classified as a Variant of Uncertain Significance.

NM_030665.4(RAI1):c.3239C>A (p.Pro1080His)

Gene: RAI1 (retinoic acid induced 1; plus strand). Cytogenetic location: 17p11.2.
Variant type: single nucleotide variant.
Coding change: c.3239C>A on transcript NM_030665.4 (MANE Select); coding-DNA position 3239, C replaced by A.
Protein change: p.Pro1080His; replaces proline 1080 with histidine.
Molecular consequence: missense variant.
Genome position (GRCh38, 1-based): chr17:17,796,187, C>A. VCF-style: chr17-17796187-C-A. GRCh37 (hg19) VCF-style: chr17-17699501-C-A.
Other names: short protein forms P1080H.
Identifiers: ClinVar variation 2899127 (VCV002899127.3), dbSNP rs752124907, ClinGen allele CA8418689.